The following is an entry in ClinVar:

ClinVar aggregate classification (germline): Likely benign. Review status: criteria provided, multiple submitters, no conflicts (2 of 4 stars). 3 submissions from 3 submitters: Likely benign (3). Last evaluated 2026-01-05.

Conditions:
Catecholaminergic polymorphic ventricular tachycardia (CVPT). Also called: Catecholamine-induced polymorphic ventricular tachycardia. Identifiers: Orphanet 3286, MedGen C5574922, MONDO:0017990.
Catecholaminergic polymorphic ventricular tachycardia 1. Also called: VENTRICULAR TACHYCARDIA, CATECHOLAMINERGIC POLYMORPHIC, 1, WITH OR WITHOUT ATRIAL DYSFUNCTION AND/OR DILATED CARDIOMYOPATHY; RYR2-Related Catecholaminergic Polymorphic Ventricular Tachycardia; VENTRICULAR TACHYCARDIA, STRESS-INDUCED POLYMORPHIC 1. Identifiers: Orphanet 3286, MedGen C1631597, MONDO:0011484, OMIM 604772.
Cardiovascular phenotype. Identifiers: MedGen CN230736.

Allele frequency attached by ClinVar (database versions not stated): ExAC 0.00001.
gnomAD v4.1: 4 of 1,613,554 alleles (0.00025%); highest among the groups gnomAD compares: Middle Eastern, 0.017%; no homozygotes.

Submissions (3):

Labcorp Genetics (formerly Invitae), Labcorp
Classification: Likely benign for Catecholaminergic polymorphic ventricular tachycardia 1. Last evaluated: 2026-01-05. Review status: criteria provided, single submitter. Criteria: Invitae Variant Classification Sherloc (09022015). Collection method: clinical testing. Allele origin: germline.

All of Us Research Program, National Institutes of Health
Classification: Likely benign for Catecholaminergic polymorphic ventricular tachycardia. Last evaluated: 2023-08-15. Review status: criteria provided, single submitter. Criteria: ACMG Guidelines, 2015. Collection method: clinical testing. Allele origin: germline. Inheritance: Autosomal dominant inheritance. Observed: 1 variant allele, 1 heterozygote.
Comment: This study involves interpretation of variants in research participants for the purpose of population health screening. Participant phenotype was not available at the time of variant classification. Additional details can be found in publication PMID: 35346344, PMCID: PMC8962531

Ambry Genetics
Classification: Likely benign for Cardiovascular phenotype. Last evaluated: 2020-01-07. Review status: criteria provided, single submitter. Criteria: Ambry Variant Classification Scheme 2023. Collection method: clinical testing. Allele origin: germline.

NM_001035.3(RYR2):c.11181G>A (p.Gln3727=)

Gene: RYR2 (ryanodine receptor 2; plus strand). Cytogenetic location: 1q43.
Variant type: single nucleotide variant.
Coding change: c.11181G>A on transcript NM_001035.3 (MANE Select); coding-DNA position 11181, G replaced by A.
Protein change: p.Gln3727=; no amino-acid change (glutamine 3727 retained).
Molecular consequence: synonymous variant.
Genome position (GRCh38, 1-based): chr1:237,756,323, G>A. VCF-style: chr1-237756323-G-A. GRCh37 (hg19) VCF-style: chr1-237919623-G-A.
Identifiers: ClinVar variation 1796693 (VCV001796693.6), dbSNP rs773884612, ClinGen allele CA084795.